The following is an entry in ClinVar:

NM_001199397.3(NEK1):c.678T>G (p.His226Gln)

Gene: NEK1 (NIMA related kinase 1; minus strand). Cytogenetic location: 4q33.
Variant type: single nucleotide variant.
Coding change: c.678T>G on transcript NM_001199397.3 (MANE Select); coding-DNA position 678, T replaced by G.
Protein change: p.His226Gln; replaces histidine 226 with glutamine.
Molecular consequence: missense variant. On other transcripts: non-coding transcript variant (2).
Genome position (GRCh38, 1-based): chr4:169,585,478, A>C on the plus strand (T>G on the coding strand, the complement: NEK1 is on the minus strand). VCF-style: chr4-169585478-A-C. GRCh37 (hg19) VCF-style: chr4-170506629-A-C.
Other names: c.678T>G, p.His226Gln (NM_001199398.3, NM_001199399.3, NM_001199400.3 and 7 more transcripts); short protein forms H226Q.
Identifiers: ClinVar variation 3637043 (VCV003637043.2).
Genomic context (GRCh38, chr4:169,585,478, plus strand): 5'-TCTATCCCTAGGATTTCTTTTAAATAACTGAGACACCAAACTGCGGAGATCATAGGAATA[A>C]TGCAAAGACACAGGTGGAAAAGATCCAGATATTATCTTCAGTACCAGGTTTTTCATACTG-3'
Protein context (NP_001186326.1, residues 216-236): ISGSFPPVSL[His226Gln]YSYDLRSLVS

ClinVar aggregate classification (germline): Uncertain significance (1 of 4 stars; one submission).

Conditions:
Short-rib thoracic dysplasia 6 with or without polydactyly (SRTD6). Also called: POLYDACTYLY WITH NEONATAL CHONDRODYSTROPHY, TYPE II; Majewski Syndrome; SHORT RIB-POLYDACTYLY SYNDROME, TYPE IIA; SHORT-RIB THORACIC DYSPLASIA 6 WITH POLYDACTYLY; SHORT-RIB THORACIC DYSPLASIA 6 WITHOUT POLYDACTYLY. Identifiers: MedGen C0024507, MONDO:0009894, OMIM 263520.

Submission:

Labcorp Genetics (formerly Invitae), Labcorp
Classification: Uncertain significance for Short-rib thoracic dysplasia 6 with or without polydactyly. Last evaluated: 2025-01-29. Review status: criteria provided, single submitter. Criteria: Invitae Variant Classification Sherloc (09022015). Collection method: clinical testing. Allele origin: germline.
Comment: This sequence change replaces histidine, which is basic and polar, with glutamine, which is neutral and polar, at codon 226 of the NEK1 protein (p.His226Gln). This variant is not present in population databases (gnomAD no frequency). This variant has not been reported in the literature in individuals affected with NEK1-related conditions. Invitae Evidence Modeling of protein sequence and biophysical properties (such as structural, functional, and spatial information, amino acid conservation, physicochemical variation, residue mobility, and thermodynamic stability) indicates that this missense variant is not expected to disrupt NEK1 protein function with a negative predictive value of 95%. Algorithms developed to predict the effect of sequence changes on RNA splicing suggest that this variant may disrupt the consensus splice site. In summary, the available evidence is currently insufficient to determine the role of this variant in disease. Therefore, it has been classified as a Variant of Uncertain Significance.